The following is an entry in ClinVar:

ClinVar aggregate classification (germline): Uncertain significance (1 of 4 stars; one submission).

Allele frequency attached by ClinVar (database versions not stated): gnomAD 0.00001; gnomAD exomes 0.00001; TOPMed 0.00001.

Submission:

Labcorp Genetics (formerly Invitae), Labcorp
Classification: Uncertain significance. Last evaluated: 2022-08-02. Review status: criteria provided, single submitter. Criteria: Invitae Variant Classification Sherloc (09022015). Collection method: clinical testing. Allele origin: germline.
Comment: In summary, the available evidence is currently insufficient to determine the role of this variant in disease. Therefore, it has been classified as a Variant of Uncertain Significance. Algorithms developed to predict the effect of missense changes on protein structure and function output the following: SIFT: "Tolerated"; PolyPhen-2: "Benign"; Align-GVGD: "Class C0". The threonine amino acid residue is found in multiple mammalian species, which suggests that this missense change does not adversely affect protein function. This variant has not been reported in the literature in individuals affected with KPNA7-related conditions. The frequency data for this variant in the population databases is considered unreliable, as metrics indicate poor data quality at this position in the gnomAD database. This sequence change replaces alanine, which is neutral and non-polar, with threonine, which is neutral and polar, at codon 205 of the KPNA7 protein (p.Ala205Thr).

NM_001145715.3(KPNA7):c.613G>A (p.Ala205Thr)

Gene: KPNA7 (karyopherin subunit alpha 7; minus strand). Cytogenetic location: 7q22.1.
Variant type: single nucleotide variant.
Coding change: c.613G>A on transcript NM_001145715.3 (MANE Select); coding-DNA position 613, G replaced by A.
Protein change: p.Ala205Thr; replaces alanine 205 with threonine.
Molecular consequence: missense variant.
Genome position (GRCh38, 1-based): chr7:99,193,042, C>T on the plus strand (G>A on the coding strand, the complement: KPNA7 is on the minus strand). VCF-style: chr7-99193042-C-T. GRCh37 (hg19) VCF-style: chr7-98790665-C-T.
Other names: short protein forms A205T.
Identifiers: ClinVar variation 2120247 (VCV002120247.4), dbSNP rs1442615066, ClinGen allele CA368420170.
Genomic context (GRCh38, chr7:99,193,042, plus strand): 5'-TTTAAAAAAAAAAAAAGAGAAAGAAAAAGACACTTACCGGCAGGGTGGGTGAAATCAAGG[C>T]TAGGAGATGTGGGATGGCATTGCTTGTGATGACGTTATCTCTGAACTCTGGGCCATCACC-3'
Protein context (NP_001139187.1, residues 195-215): ITSNAIPHLL[Ala205Thr]LISPTLPITF